The following is an entry in ClinVar:

NM_020549.5(CHAT):c.520G>A (p.Gly174Ser)

Gene: CHAT (choline O-acetyltransferase; plus strand). Cytogenetic location: 10q11.23.
Variant type: single nucleotide variant.
Coding change: c.520G>A on transcript NM_020549.5 (MANE Select); coding-DNA position 520, G replaced by A.
Protein change: p.Gly174Ser; replaces glycine 174 with serine.
Molecular consequence: missense variant.
Genome position (GRCh38, 1-based): chr10:49,619,857, G>A. VCF-style: chr10-49619857-G-A. GRCh37 (hg19) VCF-style: chr10-50827903-G-A.
Other names: c.166G>A, p.Gly56Ser (NM_001142929.2, NM_001142934.2, NM_020984.4 and 2 more transcripts); c.274G>A, p.Gly92Ser (NM_001142933.2); short protein forms G56S, G174S, G92S.
Identifiers: ClinVar variation 2906841 (VCV002906841.3), dbSNP rs762497836, ClinGen allele CA5497159.

ClinVar aggregate classification (germline): Uncertain significance (1 of 4 stars; one submission).

Conditions:
Familial infantile myasthenia (CMS6). Also called: MYASTHENIC SYNDROME, PRESYNAPTIC, CONGENITAL, ASSOCIATED WITH EPISODIC APNEA; Congenital myasthenic syndrome type 6; MYASTHENIC SYNDROME, CONGENITAL, 6, PRESYNAPTIC. Identifiers: Orphanet 590, MedGen C0393929, MONDO:0009689, OMIM 254210.

Allele frequency attached by ClinVar (database versions not stated): gnomAD exomes below 0.00001; ExAC 0.00001; gnomAD 0.00001.
gnomAD v4.1: 5 of 1,613,480 alleles (0.00031%); highest among the groups gnomAD compares: Admixed American, 0.0067%; no homozygotes.

Submission:

Labcorp Genetics (formerly Invitae), Labcorp
Classification: Uncertain significance for Familial infantile myasthenia. Last evaluated: 2024-03-13. Review status: criteria provided, single submitter. Criteria: Invitae Variant Classification Sherloc (09022015). Collection method: clinical testing. Allele origin: germline.
Comment: This sequence change replaces glycine, which is neutral and non-polar, with serine, which is neutral and polar, at codon 174 of the CHAT protein (p.Gly174Ser). This variant is present in population databases (rs762497836, gnomAD 0.009%). This variant has not been reported in the literature in individuals affected with CHAT-related conditions. Advanced modeling of protein sequence and biophysical properties (such as structural, functional, and spatial information, amino acid conservation, physicochemical variation, residue mobility, and thermodynamic stability) performed at Invitae indicates that this missense variant is not expected to disrupt CHAT protein function with a negative predictive value of 95%. In summary, the available evidence is currently insufficient to determine the role of this variant in disease. Therefore, it has been classified as a Variant of Uncertain Significance.